The following is an entry in ClinVar:

NM_007289.4(MME):c.757G>C (p.Ala253Pro)

Gene: MME (membrane metalloendopeptidase; plus strand). Cytogenetic location: 3q25.2.
Variant type: single nucleotide variant.
Coding change: c.757G>C on transcript NM_007289.4 (MANE Select); coding-DNA position 757, G replaced by C.
Protein change: p.Ala253Pro; replaces alanine 253 with proline.
Molecular consequence: missense variant.
Genome position (GRCh38, 1-based): chr3:155,138,138, G>C. VCF-style: chr3-155138138-G-C. GRCh37 (hg19) VCF-style: chr3-154855927-G-C.
Other names: c.757G>C (NM_007289.2); c.757G>C, p.Ala253Pro (NM_000902.5, NM_001354642.2, NM_001354643.1 and 2 more transcripts); short protein forms A253P.
Identifiers: ClinVar variation 1902912 (VCV001902912.5), dbSNP rs201809149, ClinGen allele CA85824653.
Genomic context (GRCh38, chr3:155,138,138, plus strand): 5'-TTTAGTGCTATTTTTTTCTTGCAGGCTTGTACAGCATATGTGGATTTTATGATTTCTGTG[G>C]CCAGATTGATTCGTCAGGAAGAAAGATTGCCCATCGATGAAAACCAGCTTGCTTTGGAAA-3'
Protein context (NP_009220.2, residues 243-263): TAYVDFMISV[Ala253Pro]RLIRQEERLP

ClinVar aggregate classification (germline): Uncertain significance. Review status: criteria provided, multiple submitters, no conflicts (2 of 4 stars). 3 submissions from 3 submitters: Uncertain significance (3). Last evaluated 2025-08-18.

Conditions:
Charcot-Marie-Tooth disease axonal type 2T. Identifiers: Orphanet 443950, MedGen C4015635, OMIM 617017, MONDO:0014866.
Inborn genetic diseases. Identifiers: MedGen C0950123, MeSH D030342.

Allele frequency attached by ClinVar (database versions not stated): TOPMed 0.00001; gnomAD 0.00001.
gnomAD v4.1: 4 of 1,613,492 alleles (0.00025%); highest among the groups gnomAD compares: Admixed American, 0.005%; no homozygotes.

Submissions (3):

Dasa
Classification: Uncertain significance for Charcot-Marie-Tooth disease axonal type 2T. Last evaluated: 2025-08-18. Review status: criteria provided, single submitter. Criteria: DASA Assertion Criteria. Collection method: clinical testing. Allele origin: germline.
Comment: NM_007289.4(MME):c.757G>C (p.Ala253Pro) is a missense variant that results in the substitution of alanine with proline. This variant is rare in population databases. Computational prediction algorithms are consistent with a deleterious effect. The currently available literature and clinical evidence are not sufficient to establish a definitive association between this variant and the reported condition. Therefore, this variant is classified as a variant of uncertain significance.

Ambry Genetics
Classification: Uncertain significance for Inborn genetic diseases. Last evaluated: 2024-07-09. Review status: criteria provided, single submitter. Criteria: Ambry Variant Classification Scheme 2023. Collection method: clinical testing. Allele origin: germline.

Labcorp Genetics (formerly Invitae), Labcorp
Classification: Uncertain significance. Last evaluated: 2022-04-12. Review status: criteria provided, single submitter. Criteria: Invitae Variant Classification Sherloc (09022015). Collection method: clinical testing. Allele origin: germline.
Comment: This sequence change replaces alanine, which is neutral and non-polar, with proline, which is neutral and non-polar, at codon 253 of the MME protein (p.Ala253Pro). This variant is present in population databases (rs201809149, gnomAD 0.006%). This variant has not been reported in the literature in individuals affected with MME-related conditions. Algorithms developed to predict the effect of missense changes on protein structure and function are either unavailable or do not agree on the potential impact of this missense change (SIFT: "Deleterious"; PolyPhen-2: "Probably Damaging"; Align-GVGD: "Class C0"). In summary, the available evidence is currently insufficient to determine the role of this variant in disease. Therefore, it has been classified as a Variant of Uncertain Significance.